The following is an entry in ClinVar:

ClinVar aggregate classification (germline): Conflicting classifications of pathogenicity. Review status: criteria provided, conflicting classifications (1 of 4 stars). 4 submissions from 4 submitters: Uncertain significance (1); Likely benign (2). 1 of the submissions does not count toward it. Last evaluated 2026-01-11.

Conditions:
ORC1-related disorder. Also called: ORC1-related condition.
Meier-Gorlin syndrome 1 (MGORS1). Also called: EAR, PATELLA, SHORT STATURE SYNDROME. Identifiers: Orphanet 2554, MedGen C4552001, MONDO:0009143, OMIM 224690.

Allele frequency attached by ClinVar (database versions not stated): 1000 Genomes Project 30x 0.00016; gnomAD 0.00016 and 0.00017; TOPMed 0.00019; 1000 Genomes Project 0.00020; gnomAD exomes 0.00026; ExAC 0.00030; ESP Exome Variant Server 0.00054.
gnomAD v4.1: 340 of 1,610,554 alleles (0.021%); highest among the groups gnomAD compares: South Asian, 0.063%; no homozygotes.

Submissions (4):

Labcorp Genetics (formerly Invitae), Labcorp
Classification: Likely benign. Last evaluated: 2026-01-11. Review status: criteria provided, single submitter. Criteria: Invitae Variant Classification Sherloc (09022015). Collection method: clinical testing. Allele origin: germline.

Blueprint Genetics
Classification: Likely benign. Last evaluated: 2024-11-22. Review status: criteria provided, single submitter. Criteria: ACMG Guidelines, 2015. Collection method: clinical testing. Allele origin: germline.

Illumina Laboratory Services, Illumina
Classification: Uncertain significance for Meier-Gorlin syndrome 1. Last evaluated: 2018-01-13. Review status: criteria provided, single submitter. Criteria: ICSL Variant Classification Criteria 13 December 2019. Collection method: clinical testing. Allele origin: germline.

PreventionGenetics, part of Exact Sciences
Classification: Likely benign for ORC1-related condition. Last evaluated: 2019-05-08. Review status: no assertion criteria provided. Collection method: clinical testing. Allele origin: germline. Not counted in ClinVar's aggregate classification.
Comment: This variant is classified as likely benign based on ACMG/AMP sequence variant interpretation guidelines (Richards et al. 2015 PMID: 25741868, with internal and published modifications).

NM_004153.4(ORC1):c.2382G>A (p.Thr794=)

Gene: ORC1 (origin recognition complex subunit 1; minus strand). Cytogenetic location: 1p32.3.
Variant type: single nucleotide variant.
Coding change: c.2382G>A on transcript NM_004153.4 (MANE Select); coding-DNA position 2382, G replaced by A.
Protein change: p.Thr794=; no amino-acid change (threonine 794 retained).
Molecular consequence: synonymous variant.
Genome position (GRCh38, 1-based): chr1:52,374,819, C>T on the plus strand (G>A on the coding strand, the complement: ORC1 is on the minus strand). VCF-style: chr1-52374819-C-T. GRCh37 (hg19) VCF-style: chr1-52840491-C-T.
Other names: c.2382G>A, p.Thr794= (NM_001190818.2); c.2367G>A, p.Thr789= (NM_001190819.2).
Identifiers: ClinVar variation 297578 (VCV000297578.15), dbSNP rs146844078, ClinGen allele CA853043.